The following is an entry in ClinVar:

NM_000368.5(TSC1):c.3301G>A (p.Glu1101Lys)

Gene: TSC1 (TSC complex subunit 1; minus strand). Cytogenetic location: 9q34.13.
Variant type: single nucleotide variant.
Coding change: c.3301G>A on transcript NM_000368.5 (MANE Select); coding-DNA position 3301, G replaced by A.
Protein change: p.Glu1101Lys; replaces glutamic acid 1101 with lysine.
Molecular consequence: missense variant.
Genome position (GRCh38, 1-based): chr9:132,896,429, C>T on the plus strand (G>A on the coding strand, the complement: TSC1 is on the minus strand). VCF-style: chr9-132896429-C-T. GRCh37 (hg19) VCF-style: chr9-135771816-C-T.
Other names: c.3298G>A, p.Glu1100Lys (NM_001162426.2); c.3148G>A, p.Glu1050Lys (NM_001162427.2); c.2938G>A, p.Glu980Lys (NM_001362177.2); short protein forms E1101K, E980K, E1100K, E1050K.
Identifiers: ClinVar variation 466130 (VCV000466130.13), dbSNP rs1554812661, ClinGen allele CA375366674.

ClinVar aggregate classification (germline): Conflicting classifications of pathogenicity. Review status: criteria provided, conflicting classifications (1 of 4 stars). 3 submissions from 3 submitters: Uncertain significance (2); Benign (1). Last evaluated 2025-07-14.

Conditions:
Tuberous sclerosis syndrome (TSC). Also called: Tuberous Sclerosis Complex; Tuberous sclerosis. Identifiers: Orphanet 805, MedGen C0041341, MONDO:0001734.
Hereditary cancer-predisposing syndrome. Also called: Hereditary neoplastic syndrome; Neoplastic Syndromes, Hereditary; Tumor predisposition; Hereditary Cancer Syndrome. Identifiers: Orphanet 140162, MedGen C0027672, MeSH D009386, MONDO:0015356.
Tuberous sclerosis 1 (TSC1). Identifiers: Orphanet 805, MedGen C1854465, MONDO:0008612, OMIM 191100.

Allele frequency attached by ClinVar (database versions not stated): gnomAD exomes below 0.00001.
gnomAD v4.1: 3 of 1,614,224 alleles (0.00019%); highest among the groups gnomAD compares: Non-Finnish European, 0.00025%; no homozygotes.

Submissions (3):

Labcorp Genetics (formerly Invitae), Labcorp
Classification: Benign for Tuberous sclerosis 1. Last evaluated: 2025-07-14. Review status: criteria provided, single submitter. Criteria: Invitae Variant Classification Sherloc (09022015). Collection method: clinical testing. Allele origin: germline.

Ambry Genetics
Classification: Uncertain significance for Hereditary cancer-predisposing syndrome. Last evaluated: 2025-01-03. Review status: criteria provided, single submitter. Criteria: Ambry Variant Classification Scheme 2023. Collection method: clinical testing. Allele origin: germline.
Comment: The p.E1101K variant (also known as c.3301G>A), located in coding exon 21 of the TSC1 gene, results from a G to A substitution at nucleotide position 3301. The glutamic acid at codon 1101 is replaced by lysine, an amino acid with similar properties. This amino acid position is highly conserved in available vertebrate species. In addition, this alteration is predicted to be deleterious by in silico analysis. Based on the available evidence, the clinical significance of this variant remains unclear.

All of Us Research Program, National Institutes of Health
Classification: Uncertain significance for Tuberous sclerosis syndrome. Last evaluated: 2024-02-22. Review status: criteria provided, single submitter. Criteria: ACMG Guidelines, 2015. Collection method: clinical testing. Allele origin: germline. Inheritance: Autosomal dominant inheritance. Observed: 1 variant allele, 1 heterozygote.
Comment: This missense variant replaces glutamic acid with lysine at codon 1101 of the TSC1 protein. Computational prediction is inconclusive regarding the impact of this variant on protein structure and function. To our knowledge, functional studies have not been reported for this variant. This variant has not been reported in individuals affected with TSC1-related disorders in the literature. This variant has not been identified in the general population by the Genome Aggregation Database (gnomAD). The available evidence is insufficient to determine the role of this variant in disease conclusively. Therefore, this variant is classified as a Variant of Uncertain Significance.

This study involves interpretation of variants in research participants for the purpose of population health screening. Participant phenotype was not available at the time of variant classification. Additional details can be found in publication PMID: 35346344, PMCID: PMC8962531